The following is an entry in ClinVar:

ClinVar aggregate classification (germline): Benign. Review status: criteria provided, multiple submitters, no conflicts (2 of 4 stars). 12 submissions from 12 submitters: Benign (9). 3 of the submissions do not count toward it. Last evaluated 2026-09-01.

Conditions:
Collagen 6-related myopathy. Identifiers: MedGen CN117976, MONDO:0100225.
Bethlem myopathy 1A. Also called: MYOPATHY, BENIGN CONGENITAL, WITH CONTRACTURES; Bethlem myopathy 1; Bethlem Muscular Dystrophy. Identifiers: Orphanet 610, MedGen CN029274, MONDO:0024530, OMIM 158810.

Allele frequency attached by ClinVar (database versions not stated): 1000 Genomes Project 30x 0.00422; 1000 Genomes Project 0.00439; TOPMed 0.00824; ESP Exome Variant Server 0.00992.

Submissions 1 to 31 of 41:

CeGaT Center for Human Genetics Tuebingen
Classification: Benign. Last evaluated: 2026-09-01. Review status: criteria provided, single submitter. Criteria: CeGaT Center For Human Genetics Tuebingen Variant Classification Criteria Version 2. Collection method: clinical testing. Allele origin: germline. Affected: yes. Observed: 28 variant alleles.
Comment: COL6A1: BS1, BS2

Labcorp Genetics (formerly Invitae), Labcorp
Classification: Benign for Bethlem myopathy 1A. Last evaluated: 2026-02-01. Review status: criteria provided, single submitter. Criteria: Invitae Variant Classification Sherloc (09022015). Collection method: clinical testing. Allele origin: germline.

Athena Diagnostics
Classification: Benign. Last evaluated: 2018-10-30. Review status: criteria provided, single submitter. Criteria: Athena Diagnostics Criteria. Collection method: clinical testing. Allele origin: germline.

Illumina Laboratory Services, Illumina
Classification: Benign for Collagen VI-related myopathy. Last evaluated: 2018-01-13. Review status: criteria provided, single submitter. Criteria: ICSL Variant Classification Criteria 13 December 2019. Collection method: clinical testing. Allele origin: germline.
Comment: This variant was observed in the ICSL laboratory as part of a predisposition screen in an ostensibly healthy population. It had not been previously curated by ICSL or reported in the Human Gene Mutation Database (HGMD: prior to June 1st, 2018), and was therefore a candidate for classification through an automated scoring system. Utilizing variant allele frequency, disease prevalence and penetrance estimates, and inheritance mode, an automated score was calculated to assess if this variant is too frequent to cause the disease. Based on the score and internal cut-off values, a variant classified as benign is not then subjected to further curation. The score for this variant resulted in a classification of benign for this disease.

Mayo Clinic Laboratories, Mayo Clinic
Classification: Benign. Last evaluated: 2017-12-06. Review status: criteria provided, single submitter. Criteria: ACMG Guidelines, 2015. Collection method: clinical testing. Allele origin: germline. Observed: 18 variant alleles.

GeneDx
Classification: Benign. Last evaluated: 2016-03-04. Review status: criteria provided, single submitter. Criteria: GeneDx Variant Classification (06012015). Collection method: clinical testing. Allele origin: germline. Affected: yes.
Comment: This variant is considered likely benign or benign based on one or more of the following criteria: it is a conservative change, it occurs at a poorly conserved position in the protein, it is predicted to be benign by multiple in silico algorithms, and/or has population frequency not consistent with disease.

Eurofins Ntd Llc (ga)
Classification: Benign. Last evaluated: 2012-08-24. Review status: criteria provided, single submitter. Criteria: EGL Classification Definitions 2015. Collection method: clinical testing. Allele origin: germline. Observed: 2 variant alleles, 2 heterozygotes.

Breakthrough Genomics
Classification: Benign. Review status: criteria provided, single submitter. Criteria: ACMG Guidelines, 2015. Collection method: not provided. Allele origin: germline. Inheritance: Autosomal recessive inheritance. Affected: yes.

PreventionGenetics, part of Exact Sciences
Classification: Benign. Review status: criteria provided, single submitter. Criteria: ACMG Guidelines, 2015. Collection method: clinical testing. Allele origin: germline.

Dr. Peter K. Rogan Lab, Western University
No classification provided (evidence only). Condition: Clear cell carcinoma of kidney. Review status: no classification provided. Collection method: in vitro. Allele origin: not applicable. Functional consequence: retained intron. Not counted in ClinVar's aggregate classification.

Dr. Peter K. Rogan Lab, Western University
No classification provided (evidence only). Condition: Lung cancer. Review status: no classification provided. Collection method: in vitro. Allele origin: not applicable. Functional consequence: retained intron. Not counted in ClinVar's aggregate classification.

Dr. Peter K. Rogan Lab, Western University
No classification provided (evidence only). Condition: Lung cancer. Review status: no classification provided. Collection method: in vitro. Allele origin: not applicable. Functional consequence: retained intron. Not counted in ClinVar's aggregate classification.

Dr. Peter K. Rogan Lab, Western University
No classification provided (evidence only). Condition: Lung cancer. Review status: no classification provided. Collection method: in vitro. Allele origin: not applicable. Functional consequence: retained intron. Not counted in ClinVar's aggregate classification.

Dr. Peter K. Rogan Lab, Western University
No classification provided (evidence only). Condition: Lung cancer. Review status: no classification provided. Collection method: in vitro. Allele origin: not applicable. Functional consequence: retained intron. Not counted in ClinVar's aggregate classification.

Dr. Peter K. Rogan Lab, Western University
No classification provided (evidence only). Condition: Familial cancer of breast. Review status: no classification provided. Collection method: in vitro. Allele origin: not applicable. Functional consequence: skipped exon. Not counted in ClinVar's aggregate classification.

Dr. Peter K. Rogan Lab, Western University
No classification provided (evidence only). Condition: Familial cancer of breast. Review status: no classification provided. Collection method: in vitro. Allele origin: not applicable. Functional consequence: retained intron. Not counted in ClinVar's aggregate classification.

Dr. Peter K. Rogan Lab, Western University
No classification provided (evidence only). Condition: Familial cancer of breast. Review status: no classification provided. Collection method: in vitro. Allele origin: not applicable. Functional consequence: retained intron. Not counted in ClinVar's aggregate classification.

Dr. Peter K. Rogan Lab, Western University
No classification provided (evidence only). Condition: Familial cancer of breast. Review status: no classification provided. Collection method: in vitro. Allele origin: not applicable. Functional consequence: skipped exon, retained intron. Not counted in ClinVar's aggregate classification.

Dr. Peter K. Rogan Lab, Western University
No classification provided (evidence only). Condition: Familial cancer of breast. Review status: no classification provided. Collection method: in vitro. Allele origin: not applicable. Functional consequence: retained intron. Not counted in ClinVar's aggregate classification.

Dr. Peter K. Rogan Lab, Western University
No classification provided (evidence only). Condition: Familial cancer of breast. Review status: no classification provided. Collection method: in vitro. Allele origin: not applicable. Functional consequence: retained intron. Not counted in ClinVar's aggregate classification.

Dr. Peter K. Rogan Lab, Western University
No classification provided (evidence only). Condition: Familial cancer of breast. Review status: no classification provided. Collection method: in vitro. Allele origin: not applicable. Functional consequence: retained intron. Not counted in ClinVar's aggregate classification.

Dr. Peter K. Rogan Lab, Western University
No classification provided (evidence only). Condition: Familial cancer of breast. Review status: no classification provided. Collection method: in vitro. Allele origin: not applicable. Functional consequence: retained intron. Not counted in ClinVar's aggregate classification.

Dr. Peter K. Rogan Lab, Western University
No classification provided (evidence only). Condition: Acute myeloid leukemia. Review status: no classification provided. Collection method: in vitro. Allele origin: not applicable. Functional consequence: retained intron. Not counted in ClinVar's aggregate classification.

Dr. Peter K. Rogan Lab, Western University
No classification provided (evidence only). Condition: Cervical cancer. Review status: no classification provided. Collection method: in vitro. Allele origin: not applicable. Functional consequence: retained intron. Not counted in ClinVar's aggregate classification.

Dr. Peter K. Rogan Lab, Western University
No classification provided (evidence only). Condition: Cervical cancer. Review status: no classification provided. Collection method: in vitro. Allele origin: not applicable. Functional consequence: retained intron. Not counted in ClinVar's aggregate classification.

Dr. Peter K. Rogan Lab, Western University
No classification provided (evidence only). Condition: Cervical cancer. Review status: no classification provided. Collection method: in vitro. Allele origin: not applicable. Functional consequence: retained intron. Not counted in ClinVar's aggregate classification.

Dr. Peter K. Rogan Lab, Western University
No classification provided (evidence only). Condition: Sarcoma. Review status: no classification provided. Collection method: in vitro. Allele origin: not applicable. Functional consequence: retained intron. Not counted in ClinVar's aggregate classification.

Dr. Peter K. Rogan Lab, Western University
No classification provided (evidence only). Condition: Sarcoma. Review status: no classification provided. Collection method: in vitro. Allele origin: not applicable. Functional consequence: skipped exon, retained intron. Not counted in ClinVar's aggregate classification.

Dr. Peter K. Rogan Lab, Western University
No classification provided (evidence only). Condition: Sarcoma. Review status: no classification provided. Collection method: in vitro. Allele origin: not applicable. Functional consequence: skipped exon, retained intron. Not counted in ClinVar's aggregate classification.

Dr. Peter K. Rogan Lab, Western University
No classification provided (evidence only). Condition: Sarcoma. Review status: no classification provided. Collection method: in vitro. Allele origin: not applicable. Functional consequence: skipped exon, retained intron. Not counted in ClinVar's aggregate classification.

Dr. Peter K. Rogan Lab, Western University
No classification provided (evidence only). Condition: Thymoma. Review status: no classification provided. Collection method: in vitro. Allele origin: not applicable. Functional consequence: retained intron. Not counted in ClinVar's aggregate classification.

NM_001848.3(COL6A1):c.1814-6C>G

Gene: COL6A1 (collagen type VI alpha 1 chain; plus strand). Cytogenetic location: 21q22.3.
Variant type: single nucleotide variant.
Coding change: c.1814-6C>G on transcript NM_001848.3 (MANE Select); 6 bases into the intron before coding-DNA position 1814, C replaced by G.
Molecular consequence: intron variant.
Genome position (GRCh38, 1-based): chr21:46,000,753, C>G. VCF-style: chr21-46000753-C-G. GRCh37 (hg19) VCF-style: chr21-47420667-C-G.
Other names: p.?.
Identifiers: ClinVar variation 93830 (VCV000093830.42), dbSNP rs182804464, ClinGen allele CA147344.